The following is an entry in ClinVar:

NM_004153.4(ORC1):c.1402C>T (p.Arg468Cys)

Gene: ORC1 (origin recognition complex subunit 1; minus strand). Cytogenetic location: 1p32.3.
Variant type: single nucleotide variant.
Coding change: c.1402C>T on transcript NM_004153.4 (MANE Select); coding-DNA position 1402, C replaced by T.
Protein change: p.Arg468Cys; replaces arginine 468 with cysteine.
Molecular consequence: missense variant.
Genome position (GRCh38, 1-based): chr1:52,385,931, G>A on the plus strand (C>T on the coding strand, the complement: ORC1 is on the minus strand). VCF-style: chr1-52385931-G-A. GRCh37 (hg19) VCF-style: chr1-52851603-G-A.
Other names: c.1402C>T, p.Arg468Cys (NM_001190818.2); c.1387C>T, p.Arg463Cys (NM_001190819.2); c.1402C>T (NM_004153.3); short protein forms R463C, R468C.
Identifiers: ClinVar variation 1986435 (VCV001986435.4), dbSNP rs141623460, ClinGen allele CA853338.

ClinVar aggregate classification (germline): Uncertain significance. Review status: criteria provided, multiple submitters, no conflicts (2 of 4 stars). 2 submissions from 2 submitters: Uncertain significance (2). Last evaluated 2025-01-31.

Conditions:
Inborn genetic diseases. Identifiers: MedGen C0950123, MeSH D030342.

Allele frequency attached by ClinVar (database versions not stated): TOPMed 0.00011; ESP Exome Variant Server 0.00015; gnomAD exomes 0.00001; ExAC 0.00003; gnomAD 0.00011.
gnomAD v4.1: 30 of 1,613,370 alleles (0.0019%); highest among the groups gnomAD compares: African/African-American, 0.029%; no homozygotes.

Submissions (2):

Ambry Genetics
Classification: Uncertain significance for Inborn genetic diseases. Last evaluated: 2025-01-31. Review status: criteria provided, single submitter. Criteria: Ambry Variant Classification Scheme 2023. Collection method: clinical testing. Allele origin: germline.

Labcorp Genetics (formerly Invitae), Labcorp
Classification: Uncertain significance. Last evaluated: 2022-01-27. Review status: criteria provided, single submitter. Criteria: Invitae Variant Classification Sherloc (09022015). Collection method: clinical testing. Allele origin: germline.
Comment: Algorithms developed to predict the effect of missense changes on protein structure and function output the following: SIFT: "Tolerated"; PolyPhen-2: "Benign"; Align-GVGD: "Class C0". The cysteine amino acid residue is found in multiple mammalian species, which suggests that this missense change does not adversely affect protein function. In summary, the available evidence is currently insufficient to determine the role of this variant in disease. Therefore, it has been classified as a Variant of Uncertain Significance. This variant has not been reported in the literature in individuals affected with ORC1-related conditions. This sequence change replaces arginine, which is basic and polar, with cysteine, which is neutral and slightly polar, at codon 468 of the ORC1 protein (p.Arg468Cys). This variant is present in population databases (rs141623460, gnomAD 0.04%).